The following is an entry in ClinVar:

NM_194248.3(OTOF):c.4128G>T (p.Arg1376Ser)

Gene: OTOF (otoferlin; minus strand). Cytogenetic location: 2p23.3.
Variant type: single nucleotide variant.
Coding change: c.4128G>T on transcript NM_194248.3 (MANE Select); coding-DNA position 4128, G replaced by T.
Protein change: p.Arg1376Ser; replaces arginine 1376 with serine.
Molecular consequence: missense variant.
Genome position (GRCh38, 1-based): chr2:26,467,464, C>A on the plus strand (G>T on the coding strand, the complement: OTOF is on the minus strand). VCF-style: chr2-26467464-C-A. GRCh37 (hg19) VCF-style: chr2-26690332-C-A.
Other names: c.4128G>T, p.Arg1376Ser (NM_001287489.2); c.1827G>T, p.Arg609Ser (NM_004802.4, NM_194323.3); c.2058G>T, p.Arg686Ser (NM_194322.3); short protein forms R1376S, R609S, R686S.
Identifiers: ClinVar variation 229080 (VCV000229080.5), dbSNP rs764461086, ClinGen allele CA1563277.
Genomic context (GRCh38, chr2:26,467,464, plus strand): 5'-CTCGGACCCCTGGCCAGAGCCAGAGCTCTGAGTTTTCTTCTTCTTCTCCTCTTTGGCAGC[C>A]CTTGCCTTCTCCTTGCCCTTCATTGACCCCTTCAGGCCTGGCCAGAAGCAGAAAAGGAGG-3'
Protein context (NP_919224.1, residues 1366-1386): KGSMKGKEKA[Arg1376Ser]AAKEEKKKKT

ClinVar aggregate classification (germline): Uncertain significance (1 of 4 stars; one submission).

Allele frequency attached by ClinVar (database versions not stated): TOPMed below 0.00001; ExAC 0.00001; gnomAD 0.00001.
gnomAD v4.1: 1 of 1,613,982 alleles (0.000062%); highest among the groups gnomAD compares: Non-Finnish European, 0.000085%; no homozygotes.

Submission:

Laboratory for Molecular Medicine, Mass General Brigham Personalized Medicine
Classification: Uncertain significance. Last evaluated: 2015-02-04. Review status: criteria provided, single submitter. Criteria: LMM Criteria. Collection method: clinical testing. Allele origin: germline. Observed: 1 variant allele.
Comment: The p.Arg1376Ser variant in OTOF has not been previously reported in individuals with hearing loss, but has been identified in 1/66700 of European chromosomes b y the Exome Aggregation Consortium (ExAC). Comp utational prediction tools and conservation analyses suggest that the Arg1376Ser variant may not impact the protein, though this information is not predictive e nough to rule out pathogenicity. In summary, the clinical significance of the p .Arg1376Ser variant is uncertain.